The following is an entry in ClinVar:

ClinVar aggregate classification (germline): Benign/Likely benign. Review status: criteria provided, multiple submitters, no conflicts (2 of 4 stars). 6 submissions from 6 submitters: Benign (3); Likely benign (2). 1 of the submissions does not count toward it. Last evaluated 2026-08-01.

Conditions:
GPD1-related disorder. Also called: GPD1-related condition.

Allele frequency attached by ClinVar (database versions not stated): gnomAD exomes 0.00338; ExAC 0.00413; 1000 Genomes Project 0.01118; 1000 Genomes Project 30x 0.01140; gnomAD 0.01267 and 0.01369; ESP Exome Variant Server 0.01369; TOPMed 0.01462.
gnomAD v4.1: 3,721 of 1,613,684 alleles (0.23%); highest among the groups gnomAD compares: African/African-American, 4.5%; 80 homozygotes.

Submissions (6):

CeGaT Center for Human Genetics Tuebingen
Classification: Benign. Last evaluated: 2026-08-01. Review status: criteria provided, single submitter. Criteria: CeGaT Center For Human Genetics Tuebingen Variant Classification Criteria Version 2. Collection method: clinical testing. Allele origin: germline. Affected: yes. Observed: 2 variant alleles.
Comment: GPD1: BS1, BS2

Labcorp Genetics (formerly Invitae), Labcorp
Classification: Benign. Last evaluated: 2026-02-01. Review status: criteria provided, single submitter. Criteria: Invitae Variant Classification Sherloc (09022015). Collection method: clinical testing. Allele origin: germline.

Mayo Clinic Laboratories, Mayo Clinic
Classification: Benign. Last evaluated: 2025-03-26. Review status: criteria provided, single submitter. Criteria: ACMG Guidelines, 2015. Collection method: clinical testing. Allele origin: germline. Observed: 1 variant allele.
Comment: BS1, BS2

GeneDx
Classification: Likely benign. Last evaluated: 2021-08-09. Review status: criteria provided, single submitter. Criteria: GeneDx Variant Classification Process June 2021. Collection method: clinical testing. Allele origin: germline. Affected: yes.

Breakthrough Genomics
Classification: Likely benign. Review status: criteria provided, single submitter. Criteria: ACMG Guidelines, 2015. Collection method: not provided. Allele origin: germline. Inheritance: Autosomal recessive inheritance. Affected: yes.

PreventionGenetics, part of Exact Sciences
Classification: Benign for GPD1-related condition. Last evaluated: 2019-09-25. Review status: no assertion criteria provided. Collection method: clinical testing. Allele origin: germline. Not counted in ClinVar's aggregate classification.
Comment: This variant is classified as benign based on ACMG/AMP sequence variant interpretation guidelines (Richards et al. 2015 PMID: 25741868, with internal and published modifications).

Literature cited by the submitters: PubMed 36325899 (cited by Mayo Clinic Laboratories, Mayo Clinic).

NM_005276.4(GPD1):c.160A>G (p.Ile54Val)

Gene: GPD1 (glycerol-3-phosphate dehydrogenase 1; plus strand). Cytogenetic location: 12q13.12.
Variant type: single nucleotide variant.
Coding change: c.160A>G on transcript NM_005276.4 (MANE Select); coding-DNA position 160, A replaced by G.
Protein change: p.Ile54Val; replaces isoleucine 54 with valine.
Molecular consequence: missense variant.
Genome position (GRCh38, 1-based): chr12:50,104,692, A>G. VCF-style: chr12-50104692-A-G. GRCh37 (hg19) VCF-style: chr12-50498475-A-G.
Other names: p.Ile54Val; c.160A>G, p.Ile54Val (NM_001257199.2); short protein forms I54V.
Identifiers: ClinVar variation 701920 (VCV000701920.22), dbSNP rs2232202, ClinGen allele CA6561461.
Genomic context (GRCh38, chr12:50,104,692, plus strand): 5'-CCACGGGTGACCATGTGGGTATTTGAGGAAGACATTGGAGGCAAAAAGCTGACTGAGATC[A>G]TCAACACGCAGCATGAGAATGTCAAATACCTGCCAGGGCACAAGTTGCCCCCAAATGTGG-3'
Protein context (NP_005267.2, residues 44-64): DIGGKKLTEI[Ile54Val]NTQHENVKYL